The following is an entry in ClinVar:

ClinVar aggregate classification (germline): Likely pathogenic (1 of 4 stars; one submission).

Conditions:
Usher syndrome type 1D (USH1D). Also called: USHER SYNDROME, TYPE ID. Identifiers: Orphanet 231169, Orphanet 886, MedGen C1832845, MONDO:0010984, OMIM 601067.

Submission:

Myriad Genetics, Inc.
Classification: Likely pathogenic for Usher syndrome type 1D. Last evaluated: 2022-03-30. Review status: criteria provided, single submitter. Criteria: Myriad Women's Health Autosomal Recessive and X-Linked Classification Criteria (2021). Collection method: clinical testing. Allele origin: unknown.
Comment: NM_033056.3(PCDH15):c.355delC(Q119Sfs*17) is expected to be pathogenic in the context of PCDH15-related disorders. This variant is predicted to lead to an abnormal or absent protein product due to the creation of a premature termination codon in PCDH15, a gene where loss-of-function variants are known to be pathogenic. Please note: this variant was assessed in the context of healthy population screening.

NM_001384140.1(PCDH15):c.355del (p.Gln119fs)

Gene: PCDH15 (protocadherin related 15; minus strand). Cytogenetic location: 10q21.1.
Variant type: Deletion.
Coding change: c.355del on transcript NM_001384140.1 (MANE Select); coding-DNA position 355, one base deleted (C; older notation c.355delC).
Protein change: p.Gln119fs; shifts the reading frame from glutamine 119.
Molecular consequence: frameshift variant.
Genome position (GRCh38, 1-based): chr10:54,369,239, G deleted on the plus strand (C on the coding strand, the reverse complement: PCDH15 is on the minus strand); the first of 2 consecutive G bases (chr10:54,369,239-54,369,240); deleting either gives the same sequence. VCF-style (leftmost placement, unchanged base first): chr10-54369238-TG-T. GRCh37 (hg19) VCF-style: chr10-56128998-TG-T.
Other names: c.370del, p.Gln124fs (NM_001142763.2, NM_001142771.2); c.355del, p.Gln119fs (NM_001142764.2, NM_001142765.2, NM_001142766.2 and 8 more transcripts); c.289del, p.Gln97fs (NM_001142768.2, NM_001142773.2, NM_001354404.2); c.369delC, p.Gln124Serfs (NM_001142769.4); short protein forms Q119fs, Q124fs, Q97fs.
Identifiers: ClinVar variation 1725641 (VCV001725641.2), dbSNP rs2547833358, ClinGen allele CA2580081668.